The following is an entry in ClinVar:

NM_006231.4(POLE):c.2231C>T (p.Thr744Ile)

Gene: POLE (DNA polymerase epsilon, catalytic subunit; minus strand). Cytogenetic location: 12q24.33.
Variant type: single nucleotide variant.
Coding change: c.2231C>T on transcript NM_006231.4 (MANE Select); coding-DNA position 2231, C replaced by T.
Protein change: p.Thr744Ile; replaces threonine 744 with isoleucine.
Molecular consequence: missense variant.
Genome position (GRCh38, 1-based): chr12:132,667,591, G>A on the plus strand (C>T on the coding strand, the complement: POLE is on the minus strand). VCF-style: chr12-132667591-G-A. GRCh37 (hg19) VCF-style: chr12-133244177-G-A.
Other names: short protein forms T744I.
Identifiers: ClinVar variation 2604424 (VCV002604424.7), dbSNP rs2135970436, ClinGen allele CA387352252.

ClinVar aggregate classification (germline): Uncertain significance. Review status: criteria provided, multiple submitters, no conflicts (2 of 4 stars). 3 submissions from 3 submitters: Uncertain significance (3). Last evaluated 2025-03-04.

Conditions:
Hereditary cancer-predisposing syndrome. Also called: Tumor predisposition; Hereditary Cancer Syndrome; Hereditary neoplastic syndrome; Neoplastic Syndromes, Hereditary. Identifiers: Orphanet 140162, MedGen C0027672, MeSH D009386, MONDO:0015356.

Submissions (3):

Center for Genomic Medicine, Rigshospitalet, Copenhagen University Hospital
Classification: Uncertain significance. Last evaluated: 2025-03-04. Review status: criteria provided, single submitter. Criteria: ACMG Guidelines, 2015. Collection method: clinical testing. Allele origin: germline.

Labcorp Genetics (formerly Invitae), Labcorp
Classification: Uncertain significance. Last evaluated: 2024-10-28. Review status: criteria provided, single submitter. Criteria: Invitae Variant Classification Sherloc (09022015). Collection method: clinical testing. Allele origin: germline.
Comment: This sequence change replaces threonine, which is neutral and polar, with isoleucine, which is neutral and non-polar, at codon 744 of the POLE protein (p.Thr744Ile). This variant is not present in population databases (gnomAD no frequency). This variant has not been reported in the literature in individuals affected with POLE-related conditions. ClinVar contains an entry for this variant (Variation ID: 2604424). Invitae Evidence Modeling of protein sequence and biophysical properties (such as structural, functional, and spatial information, amino acid conservation, physicochemical variation, residue mobility, and thermodynamic stability) has been performed for this missense variant. However, the output from this modeling did not meet the statistical confidence thresholds required to predict the impact of this variant on POLE protein function. In summary, the available evidence is currently insufficient to determine the role of this variant in disease. Therefore, it has been classified as a Variant of Uncertain Significance.

Ambry Genetics
Classification: Uncertain significance for Hereditary cancer-predisposing syndrome. Last evaluated: 2023-06-25. Review status: criteria provided, single submitter. Criteria: Ambry Variant Classification Scheme 2023. Collection method: clinical testing. Allele origin: germline.
Comment: The p.T744I variant (also known as c.2231C>T), located in coding exon 20 of the POLE gene, results from a C to T substitution at nucleotide position 2231. The threonine at codon 744 is replaced by isoleucine, an amino acid with similar properties. This amino acid position is conserved. In addition, the in silico prediction for this alteration is inconclusive. Since supporting evidence is limited at this time, the clinical significance of this alteration remains unclear.